The following is an entry in ClinVar:

ClinVar aggregate classification (germline): Conflicting classifications of pathogenicity. Review status: criteria provided, conflicting classifications (1 of 4 stars). 5 submissions from 5 submitters: Likely pathogenic (3); Uncertain significance (1). 1 of the submissions does not count toward it. Last evaluated 2023-06-22.

Conditions:
Biotinidase deficiency. Also called: BTD deficiency; Late-onset biotin-responsive multiple carboxylase deficiency; Biotin deficiency. Identifiers: Orphanet 79241, MedGen C0220754, MONDO:0009665, OMIM 253260.

Allele frequency attached by ClinVar (database versions not stated): gnomAD exomes below 0.00001; ExAC 0.00003; ESP Exome Variant Server 0.00008.

Submissions (5):

Neuberg Centre For Genomic Medicine, NCGM
Classification: Likely pathogenic for Biotinidase deficiency. Last evaluated: 2023-06-22. Review status: criteria provided, single submitter. Criteria: ACMG Guidelines, 2015. Collection method: clinical testing. Allele origin: germline. Inheritance: Autosomal recessive inheritance. Affected: yes.
Comment: The missense c.416G>A (p.Ser139Asn) variant in the BTD gene has been observed in individual(s) with biotinidase deficiency (Ahmed, Sibtain et al., 2021). This variant is reported with the allele frequency (0.0003%) in the gnomAD Exomes. It is submitted to ClinVar as Likely Pathogenic/ Uncertain Significance. The amino acid Serine at position 139 is changed to a Asparagine changing protein sequence and it might alter its composition and physico-chemical properties. Multiple lines of computational evidence (Polyphen - Damaging, SIFT – Damaging and MutationTaster - Disease causing) predict a damaging effect on protein structure and function for this variant. The amino acid Serine in BTD is predicted as conserved by GERP++ and PhyloP across 100 vertebrates. For these reasons, this variant has been classified as Likely pathogenic.

Labcorp Genetics (formerly Invitae), Labcorp
Classification: Uncertain significance for Biotinidase deficiency. Last evaluated: 2021-09-01. Review status: criteria provided, single submitter. Criteria: Invitae Variant Classification Sherloc (09022015). Collection method: clinical testing. Allele origin: germline.
Comment: This sequence change replaces serine with asparagine at codon 159 of the BTD protein (p.Ser159Asn). The serine residue is highly conserved and there is a small physicochemical difference between serine and asparagine. This variant is present in population databases (rs144717999, ExAC 0.02%). This missense change has been observed in individual(s) with biotinidase deficiency (PMID: 26589311; Invitae). Algorithms developed to predict the effect of missense changes on protein structure and function (SIFT, PolyPhen-2, Align-GVGD) all suggest that this variant is likely to be disruptive. In summary, the available evidence is currently insufficient to determine the role of this variant in disease. Therefore, it has been classified as a Variant of Uncertain Significance.

Kasturba Medical College, Manipal, Kasturba Medical College, Manipal, Manipal Academy of Higher Education, Manipal, India
Classification: Likely pathogenic for Biotinidase deficiency. Review status: criteria provided, single submitter. Criteria: ACMG Guidelines, 2015. Collection method: clinical testing. Allele origin: biparental. Inheritance: Autosomal recessive inheritance. Affected: yes. Observed: 1 homozygote.

Suma Genomics
Classification: Likely pathogenic for Biotinidase deficiency. Review status: criteria provided, single submitter. Criteria: ACMG Guidelines, 2015. Collection method: clinical testing. Allele origin: inherited. Inheritance: Autosomal recessive inheritance. Affected: yes.

Natera, Inc.
Classification: Likely pathogenic for Biotinidase deficiency. Last evaluated: 2022-03-16. Review status: no assertion criteria provided. Collection method: clinical testing. Allele origin: germline. Not counted in ClinVar's aggregate classification.

Literature cited by the submitters: PubMed 26589311 (cited by Labcorp Genetics (formerly Invitae), Labcorp).

NM_001370658.1(BTD):c.416G>A (p.Ser139Asn)

Gene: BTD (biotinidase; plus strand). Cytogenetic location: 3p25.1.
Variant type: single nucleotide variant.
Coding change: c.416G>A on transcript NM_001370658.1 (MANE Select); coding-DNA position 416, G replaced by A.
Protein change: p.Ser139Asn; replaces serine 139 with asparagine.
Molecular consequence: missense variant. On other transcripts: intron variant (1).
Genome position (GRCh38, 1-based): chr3:15,644,332, G>A. VCF-style: chr3-15644332-G-A. GRCh37 (hg19) VCF-style: chr3-15685839-G-A.
Other names: c.416G>A, p.Ser139Asn (NM_001407371.1, NM_001407372.1, NM_001407373.1 and 18 more transcripts); c.399+2275G>A (NM_001370753.1); c.476G>A, p.Ser159Asn (NM_000060.4); short protein forms S139N, S159N.
Identifiers: ClinVar variation 1236181 (VCV001236181.11), dbSNP rs144717999, ClinGen allele CA2277335.
Genomic context (GRCh38, chr3:15,644,332, plus strand): 5'-TTACAGGCAAAAACCTCATTTATTTACACCTTTTTTTCCTCTAGGTGCTCCAGCGCCTGA[G>A]TTGTATGGCCATCAGGGGAGATATGTTCTTGGTGGCCAATCTTGGGACAAAGGAGCCTTG-3'
Protein context (NP_001357587.1, residues 129-149): FNDTEVLQRL[Ser139Asn]CMAIRGDMFL